The following is an entry in ClinVar:

ClinVar aggregate classification (germline): Pathogenic (1 of 4 stars; one submission).

Conditions:
Monogenic hearing loss.

Submission:

Genetics Laboratory, Great Ormond Street Hospital NHS Foundation Trust, North Thames Genomic Laboratory Hub
Classification: Pathogenic for Monogenic hearing loss. Last evaluated: 2026-09-14. Review status: criteria provided, single submitter. Criteria: ACGS Best Practice Guidelines for Variant Classification in Rare Disease 2024 v1.2. Collection method: clinical testing. Allele origin: germline. Affected: yes.
Comment: PM2_moderate, PVS1_very-strong, PM3_moderate

NM_016239.4(MYO15A):c.7636C>T (p.Gln2546Ter)

Gene: MYO15A (myosin XVA; plus strand). Cytogenetic location: 17p11.2.
Variant type: single nucleotide variant.
Coding change: c.7636C>T on transcript NM_016239.4 (MANE Select); coding-DNA position 7636, C replaced by T.
Protein change: p.Gln2546Ter; replaces glutamine 2546 with a stop codon.
Molecular consequence: nonsense.
Genome position (GRCh38, 1-based): chr17:18,151,272, C>T. VCF-style: chr17-18151272-C-T. GRCh37 (hg19) VCF-style: chr17-18054586-C-T.
Other names: short protein forms Q2546*.
Identifiers: ClinVar variation 5042752 (VCV005042752.1).